The following is an entry in ClinVar:

ClinVar aggregate classification (germline): Uncertain significance (1 of 4 stars; one submission).

Allele frequency attached by ClinVar (database versions not stated): gnomAD exomes below 0.00001.
gnomAD v4.1: 1 of 1,210,772 alleles (0.000083%); highest among the groups gnomAD compares: East Asian, 0.003%; no homozygotes.

Submission:

GeneDx
Classification: Uncertain significance. Last evaluated: 2019-09-26. Review status: criteria provided, single submitter. Criteria: GeneDx Variant Classification Process June 2021. Collection method: clinical testing. Allele origin: germline. Affected: yes.
Comment: Has not been previously published as pathogenic or benign to our knowledge; In silico analysis, which includes protein predictors and evolutionary conservation, supports that this variant does not alter protein structure/function; Not observed in large population cohorts (Lek et al., 2016)

NM_000132.4(F8):c.641T>A (p.Phe214Tyr)

Gene: F8 (coagulation factor VIII; minus strand). Cytogenetic location: Xq28.
Variant type: single nucleotide variant.
Coding change: c.641T>A on transcript NM_000132.4 (MANE Select); coding-DNA position 641, T replaced by A.
Protein change: p.Phe214Tyr; replaces phenylalanine 214 with tyrosine.
Molecular consequence: missense variant.
Genome position (GRCh38, 1-based): chrX:154,987,266, A>T on the plus strand (T>A on the coding strand, the complement: F8 is on the minus strand). VCF-style: chrX-154987266-A-T. GRCh37 (hg19) VCF-style: chrX-154215541-A-T.
Other names: short protein forms F214Y.
Identifiers: ClinVar variation 1305311 (VCV001305311.2), dbSNP rs2073563946, ClinGen allele CA414919259.
Genomic context (GRCh38, chrX:154,987,266, plus strand): 5'-GAATCCAAAATTCAGATTAAGACTCACTAACCTTCATCAAATACAGCAAAAAGTAGTATA[A>T]ATTTGTGCAAGGTCTGTGTCTTTTCCTTGGCCAGACTCCCTGAAAAAGAAGTGAGAACAT-3'
Protein context (NP_000123.1, residues 204-224): AKEKTQTLHK[Phe214Tyr]ILLFAVFDEG